The following is an entry in ClinVar:

NM_020529.3(NFKBIA):c.899A>C (p.Glu300Ala)

Gene: NFKBIA (NFKB inhibitor alpha; minus strand). Cytogenetic location: 14q13.2.
Variant type: single nucleotide variant.
Coding change: c.899A>C on transcript NM_020529.3 (MANE Select); coding-DNA position 899, A replaced by C.
Protein change: p.Glu300Ala; replaces glutamic acid 300 with alanine.
Molecular consequence: missense variant.
Genome position (GRCh38, 1-based): chr14:35,402,401, T>G on the plus strand (A>C on the coding strand, the complement: NFKBIA is on the minus strand). VCF-style: chr14-35402401-T-G. GRCh37 (hg19) VCF-style: chr14-35871607-T-G.
Other names: short protein forms E300A.
Identifiers: ClinVar variation 3006548 (VCV003006548.3), dbSNP rs2052738094, ClinGen allele CA389451849.

ClinVar aggregate classification (germline): Uncertain significance (1 of 4 stars; one submission).

Conditions:
Ectodermal dysplasia and immunodeficiency 2. Identifiers: Orphanet 238468, Orphanet 98813, MedGen C2677481, MONDO:0012806, OMIM 612132.

Allele frequency attached by ClinVar (database versions not stated): TOPMed below 0.00001.

Submission:

Labcorp Genetics (formerly Invitae), Labcorp
Classification: Uncertain significance for Ectodermal dysplasia and immunodeficiency 2. Last evaluated: 2023-11-19. Review status: criteria provided, single submitter. Criteria: Invitae Variant Classification Sherloc (09022015). Collection method: clinical testing. Allele origin: germline.
Comment: This sequence change replaces glutamic acid, which is acidic and polar, with alanine, which is neutral and non-polar, at codon 300 of the NFKBIA protein (p.Glu300Ala). This variant is not present in population databases (gnomAD no frequency). This variant has not been reported in the literature in individuals affected with NFKBIA-related conditions. An algorithm developed to predict the effect of missense changes on protein structure and function (PolyPhen-2) suggests that this variant is likely to be tolerated. In summary, the available evidence is currently insufficient to determine the role of this variant in disease. Therefore, it has been classified as a Variant of Uncertain Significance.